The following is an entry in ClinVar:

NM_052845.4(MMAB):c.43C>T (p.Arg15Cys)

Genes: MMAB (metabolism of cobalamin associated B; minus strand), MVK (mevalonate kinase; plus strand). Cytogenetic location: 12q24.11.
Variant type: single nucleotide variant.
Coding change: c.43C>T on transcript NM_052845.4 (MANE Select); coding-DNA position 43, C replaced by T.
Protein change: p.Arg15Cys; replaces arginine 15 with cysteine.
Molecular consequence: missense variant. On other transcripts: non-coding transcript variant (1).
Genome position (GRCh38, 1-based): chr12:109,573,438, G>A on the plus strand (C>T on the coding strand, the complement: MMAB is on the minus strand). VCF-style: chr12-109573438-G-A. GRCh37 (hg19) VCF-style: chr12-110011243-G-A.
Other names: short protein forms R15C.
Identifiers: ClinVar variation 618212 (VCV000618212.10), dbSNP rs921232728, ClinGen allele CA243451913.

ClinVar aggregate classification (germline): Uncertain significance. Review status: criteria provided, multiple submitters, no conflicts (2 of 4 stars). 2 submissions from 2 submitters: Uncertain significance (2). Last evaluated 2022-11-01.

Conditions:
Methylmalonic aciduria, cblB type (MACB). Also called: Vitamin B12-responsive methylmalonic acidemia type cblB; METHYLMALONIC ACIDURIA, VITAMIN B12-RESPONSIVE, DUE TO DEFECT IN SYNTHESIS OF ADENOSYLCOBALAMIN, cblB TYPE; Methylmalonic acidemia cblB type. Identifiers: Orphanet 28, Orphanet 79311, MedGen C1855102, MONDO:0009614, OMIM 251110.

Allele frequency attached by ClinVar (database versions not stated): TOPMed 0.00001.
gnomAD v4.1: 3 of 1,606,930 alleles (0.00019%); highest among the groups gnomAD compares: South Asian, 0.0011%; no homozygotes.

Submissions (2):

Labcorp Genetics (formerly Invitae), Labcorp
Classification: Uncertain significance for Methylmalonic aciduria, cblB type. Last evaluated: 2022-11-01. Review status: criteria provided, single submitter. Criteria: Invitae Variant Classification Sherloc (09022015). Collection method: clinical testing. Allele origin: germline.
Comment: This sequence change replaces arginine, which is basic and polar, with cysteine, which is neutral and slightly polar, at codon 15 of the MMAB protein (p.Arg15Cys). This variant is not present in population databases (gnomAD no frequency). This variant has not been reported in the literature in individuals affected with MMAB-related conditions. ClinVar contains an entry for this variant (Variation ID: 618212). Advanced modeling of protein sequence and biophysical properties (such as structural, functional, and spatial information, amino acid conservation, physicochemical variation, residue mobility, and thermodynamic stability) has been performed at Invitae for this missense variant, however the output from this modeling did not meet the statistical confidence thresholds required to predict the impact of this variant on MMAB protein function. In summary, the available evidence is currently insufficient to determine the role of this variant in disease. Therefore, it has been classified as a Variant of Uncertain Significance.

ARUP Laboratories, Molecular Genetics and Genomics, ARUP Laboratories
Classification: Uncertain significance. Last evaluated: 2018-06-03. Review status: criteria provided, single submitter. Criteria: ARUP Molecular Germline Variant Investigation Process. Collection method: clinical testing. Allele origin: germline.
Comment: The MMAB c.43C>T; p.Arg15Cys variant (rs921232728), to our knowledge, is not reported in the medical literature or in gene-specific databases. It is also absent from general population databases (1000 Genomes Project, Exome Variant Server, and Genome Aggregation Database), indicating it is not a common polymorphism. The arginine at codon 15 is moderately conserved, and computational algorithms (PolyPhen-2, SIFT) predict that this variant is deleterious. Due to the lack of clinical and function data regarding this variant, its clinical significance cannot be determined with certainty. Pathogenic MMAB variants are inherited in an autosomal recessive manner and are associated with Methylmalonic aciduria, cblB complementation type (MIM: 251110).